The following is an entry in ClinVar:

NM_024675.4(PALB2):c.1881G>T (p.Val627=)

Gene: PALB2 (partner and localizer of BRCA2; minus strand). Cytogenetic location: 16p12.2.
Variant type: single nucleotide variant.
Coding change: c.1881G>T on transcript NM_024675.4 (MANE Select); coding-DNA position 1881, G replaced by T.
Protein change: p.Val627=; no amino-acid change (valine 627 retained).
Molecular consequence: synonymous variant.
Genome position (GRCh38, 1-based): chr16:23,630,273, C>A on the plus strand (G>T on the coding strand, the complement: PALB2 is on the minus strand). VCF-style: chr16-23630273-C-A. GRCh37 (hg19) VCF-style: chr16-23641594-C-A.
Other names: p.V627V:GTG>GTT.
Identifiers: ClinVar variation 126626 (VCV000126626.59), dbSNP rs139362268, ClinGen allele CA292641.

ClinVar aggregate classification (germline): Benign/Likely benign. Review status: criteria provided, multiple submitters, no conflicts (2 of 4 stars). 16 submissions from 15 submitters: Benign (5); Likely benign (8). 3 of the submissions do not count toward it. Last evaluated 2026-08-01.

Conditions:
Hereditary cancer-predisposing syndrome. Also called: Neoplastic Syndromes, Hereditary; Hereditary Cancer Syndrome; Tumor predisposition; Hereditary neoplastic syndrome. Identifiers: Orphanet 140162, MedGen C0027672, MeSH D009386, MONDO:0015356.
Breast and/or ovarian cancer. Identifiers: MedGen CN221562.
Familial cancer of breast. Also called: hereditary breast carcinoma; BREAST CANCER, FAMILIAL; Hereditary breast cancer. Identifiers: Orphanet 227535, MedGen C0346153, MONDO:0016419, OMIM 114480. Disease mechanism: loss of function.
Fanconi anemia complementation group N. Also called: PALB2-Related Fanconi Anemia. Identifiers: Orphanet 84, MedGen C1835817, MONDO:0012565, OMIM 610832. Disease mechanism: loss of function.
Pancreatic cancer, susceptibility to, 3. Identifiers: Orphanet 1333, MedGen C3150547, MONDO:0013236, OMIM 613348.
Endometrial carcinoma. Also called: Endometrial carcinoma, somatic. Identifiers: MedGen C0476089, MONDO:0002447, OMIM 608089, HP:0012114.
Carcinoma of colon (CRC). Also called: Colonic carcinoma; Colon carcinoma. Identifiers: MedGen C0699790, MONDO:0002032.

Allele frequency attached by ClinVar (database versions not stated): TOPMed 0.00009; ESP Exome Variant Server 0.00015.
gnomAD v4.1: 148 of 1,614,046 alleles (0.0092%); highest among the groups gnomAD compares: Non-Finnish European, 0.0014%; no homozygotes.

Submissions (16):

CeGaT Center for Human Genetics Tuebingen
Classification: Likely benign. Last evaluated: 2026-08-01. Review status: criteria provided, single submitter. Criteria: CeGaT Center For Human Genetics Tuebingen Variant Classification Criteria Version 2. Collection method: clinical testing. Allele origin: germline. Affected: yes. Observed: 5 variant alleles.
Comment: PALB2: BP4

Labcorp Genetics (formerly Invitae), Labcorp
Classification: Benign for Familial cancer of breast. Last evaluated: 2026-01-27. Review status: criteria provided, single submitter. Criteria: Invitae Variant Classification Sherloc (09022015). Collection method: clinical testing. Allele origin: germline.

Myriad Genetics, Inc.
Classification: Benign for Familial cancer of breast. Last evaluated: 2025-01-14. Review status: criteria provided, single submitter. Criteria: Myriad Autosomal Dominant, Autosomal Recessive and X-Linked Classification Criteria (2023). Collection method: clinical testing. Allele origin: unknown.
Comment: This variant is considered benign. This variant is a silent/synonymous amino acid change and it is not expected to impact splicing.

Blueprint Genetics
Classification: Likely benign. Last evaluated: 2024-11-08. Review status: criteria provided, single submitter. Criteria: ACMG Guidelines, 2015. Collection method: clinical testing. Allele origin: germline.

Institute for Biomarker Research, Medical Diagnostic Laboratories, L.L.C.
Classification: Likely benign for Hereditary cancer-predisposing syndrome. Last evaluated: 2022-12-08. Review status: criteria provided, single submitter. Criteria: ACMG Guidelines, 2015. Collection method: clinical testing. Allele origin: germline.

Quest Diagnostics Nichols Institute San Juan Capistrano
Classification: Benign. Last evaluated: 2022-12-03. Review status: criteria provided, single submitter. Criteria: Quest Diagnostics criteria. Collection method: clinical testing. Allele origin: unknown.

CHEO Genetics Diagnostic Laboratory, Children's Hospital of Eastern Ontario
Classification: Likely benign for Breast and/or ovarian cancer. Last evaluated: 2021-12-07. Review status: criteria provided, single submitter. Criteria: ACMG Guidelines, 2015. Collection method: clinical testing. Allele origin: germline.

Fulgent Genetics
Classification: Likely benign for Familial cancer of breast; Fanconi anemia complementation group N; Pancreatic cancer, susceptibility to, 3. Last evaluated: 2021-07-26. Review status: criteria provided, single submitter. Criteria: ACMG Guidelines, 2015. Collection method: clinical testing. Allele origin: unknown.

Sema4
Classification: Likely benign for Hereditary cancer-predisposing syndrome. Last evaluated: 2021-03-12. Review status: criteria provided, single submitter. Criteria: Sema4 Curation Guidelines. Collection method: curation. Allele origin: germline.

Women's Health and Genetics/Laboratory Corporation of America, LabCorp
Classification: Benign. Last evaluated: 2019-01-15. Review status: criteria provided, single submitter. Criteria: LabCorp Variant Classification Summary - May 2015. Collection method: clinical testing. Allele origin: germline.
Comment: Variant summary: PALB2 c.1881G>T alters a non-conserved nucleotide resulting in a synonymous change. 5/5 computational tools predict no significant impact on normal splicing. However, these predictions have yet to be confirmed by functional studies. The variant allele was found at a frequency of 0.00013 in 246196 control chromosomes, predominantly at a frequency of 0.0028 within the Ashkenazi Jewish subpopulation in the gnomAD database. The observed variant frequency within Ashkenazi Jewish control individuals in the gnomAD database is approximately 18-fold of the estimated maximal expected allele frequency for a pathogenic variant in PALB2 causing Hereditary Breast and Ovarian Cancer phenotype (0.00016), strongly suggesting that the variant is a benign polymorphism found primarily in populations of Ashkenazi Jewish origin. c.1881G>T has been reported in the literature in individuals affected with Hereditary Breast and Ovarian Cancer (Casadei_2011, Catucci_2012, Hofstatter_2011) with limited information (ie, lack of co-occurrence and cosegregation data). These reports do not provide unequivocal conclusions about association of the variant with Hereditary Breast and Ovarian Cancer. To our knowledge, no experimental evidence demonstrating an impact on protein function has been reported. Three clinical diagnostic laboratories have submitted clinical-significance assessments for this variant to ClinVar after 2014 without evidence for independent evaluation. All laboratories classified the variant as benign/likely benign. Based on the evidence outlined above, the variant was classified as benign.

Color Diagnostics, LLC DBA Color Health
Classification: Likely benign for Hereditary cancer-predisposing syndrome. Last evaluated: 2015-06-08. Review status: criteria provided, single submitter. Criteria: ACMG Guidelines, 2015. Collection method: clinical testing. Allele origin: germline.

Ambry Genetics
Classification: Likely benign for Hereditary cancer-predisposing syndrome. Last evaluated: 2014-09-05. Review status: criteria provided, single submitter. Criteria: Ambry Variant Classification Scheme 2023. Collection method: clinical testing. Allele origin: germline.

GeneDx
Classification: Benign. Last evaluated: 2013-12-31. Review status: criteria provided, single submitter. Criteria: GeneDx Variant Classification (06012015). Collection method: clinical testing. Allele origin: germline. Affected: yes.
Comment: This variant is considered likely benign or benign based on one or more of the following criteria: it is a conservative change, it occurs at a poorly conserved position in the protein, it is predicted to be benign by multiple in silico algorithms, and/or has population frequency not consistent with disease.

Leiden Open Variation Database
Classification: Likely benign for Familial cancer of breast. Last evaluated: 2019-05-13. Review status: no assertion criteria provided. Collection method: curation. Allele origin: germline. Affected: yes. Not counted in ClinVar's aggregate classification.
Comment: Curators: Marc Tischkowitz, Arleen D. Auerbach. Submitter to LOVD: Marc Tischkowitz.

Department of Pathology and Laboratory Medicine, Sinai Health System
Classification: Likely benign for Endometrial carcinoma. Review status: no assertion criteria provided. Collection method: clinical testing. Allele origin: unknown. Affected: yes. Study: The Canadian Open Genetics Repository (COGR). Not counted in ClinVar's aggregate classification.
Comment: The PALB2 p.Val627Val variant was identified in 2 of 378 proband chromosomes (frequency: 0.005) from individuals or families with breast cancer (Hofstatter_2011_21365267, Catucci_2012_22692731). The variant was also identified in the following databases: dbSNP (ID: rs139362268) as â€šÃ„ÃºWith Likely benign alleleâ€šÃ„Ã¹ ,ClinVar (2x as benign by GeneDx, Invitae, 4x as likely benign by Ambry Genetics, Color Genomics, Quest Diagnostics, Palb2 database), Clinvitae (3x as benign and likely benign by ClinVar), LOVD 3.0 (3x "probably does not affect function"). The variant was not identified in Cosmic, MutDB and Zhejiang Colon Cancer Database. The variant was identified in control databases in 32 of 246196 chromosomes at a frequency of 0.00013 increasing the likelihood this could be a low frequency variant (Genome Aggregation Database Feb 27, 2017). Breakdown of the observations by population include other in 1 of 5482 chromosomes (freq: 0.00018), European Non-Finnish in 3 of 111674 chromosomes (freq: 0.00003), Ashkenazi Jewish in 28 of 9848 chromosomes (freq: 0.003), while the variant was not observed in the African, Latino, East Asian, European Finnish, and South Asian populations. The p.Val627Val variant is not expected to have clinical significance because it does not result in a change of amino acid and is not located in a known consensus splice site. In addition, in silico or computational prediction software programs (SpliceSiteFinder, MaxEntScan, NNSPLICE, GeneSplicer, HumanSpliceFinder) do not predict a difference in splicing. In summary, based on the above information the clinical significance of this variant cannot be determined with certainty at this time although we would lean towards a more benign role for this variant. This variant is classified as likely benign.

Department of Pathology and Laboratory Medicine, Sinai Health System
Classification: Likely benign for Carcinoma of colon. Review status: no assertion criteria provided. Collection method: clinical testing. Allele origin: unknown. Affected: yes. Study: The Canadian Open Genetics Repository (COGR). Not counted in ClinVar's aggregate classification.
Comment: the same text as in the submission from Department of Pathology and Laboratory Medicine, Sinai Health System above.

Literature cited by the submitters: PubMed 21365267 (cited by 3 submitters); PubMed 22692731 (cited by 3 submitters); PubMed 21285249 (cited by 3 submitters).